The following is an entry in ClinVar:

NM_000091.5(COL4A3):c.*1681A>G

Genes: MFF-DT (MFF divergent transcript; minus strand), COL4A3 (collagen type IV alpha 3 chain; plus strand). Cytogenetic location: 2q36.3.
Variant type: single nucleotide variant.
Coding change: c.*1681A>G on transcript NM_000091.5 (MANE Select); 1681 bases downstream of the stop codon, A replaced by G.
Molecular consequence: 3 prime UTR variant.
Genome position (GRCh38, 1-based): chr2:227,313,551, A>G. VCF-style: chr2-227313551-A-G. GRCh37 (hg19) VCF-style: chr2-228178267-A-G.
Identifiers: ClinVar variation 334812 (VCV000334812.5), dbSNP rs78758928, ClinGen allele CA10614456.

ClinVar aggregate classification (germline): Benign (1 of 4 stars; one submission).

Conditions:
Alport syndrome. Also called: Hemorrhagic familial nephritis; Hemorrhagic hereditary nephritis; Congenital hereditary hematuria. Identifiers: Orphanet 63, MedGen C1567741, MONDO:0018965.

Allele frequency attached by ClinVar (database versions not stated): gnomAD 0.04419 and 0.04750; TOPMed 0.04860; 1000 Genomes Project 0.04932; 1000 Genomes Project 30x 0.05106.

Submission:

Illumina Laboratory Services, Illumina
Classification: Benign for Alport syndrome. Last evaluated: 2018-01-12. Review status: criteria provided, single submitter. Criteria: ICSL Variant Classification Criteria 13 December 2019. Collection method: clinical testing. Allele origin: germline.
Comment: This variant was observed in the ICSL laboratory as part of a predisposition screen in an ostensibly healthy population. It had not been previously curated by ICSL or reported in the Human Gene Mutation Database (HGMD: prior to June 1st, 2018), and was therefore a candidate for classification through an automated scoring system. Utilizing variant allele frequency, disease prevalence and penetrance estimates, and inheritance mode, an automated score was calculated to assess if this variant is too frequent to cause the disease. Based on the score and internal cut-off values, a variant classified as benign is not then subjected to further curation. The score for this variant resulted in a classification of benign for this disease.